The following is an entry in ClinVar:

ClinVar aggregate classification (germline): Likely benign. Review status: criteria provided, multiple submitters, no conflicts (2 of 4 stars). 2 submissions from 2 submitters: Likely benign (2). Last evaluated 2025-01-02.

Conditions:
TUBB4A-related disorder. Also called: TUBB4A-related condition.

gnomAD v4.1: 2 of 1,613,860 alleles (0.00012%); highest among the groups gnomAD compares: South Asian, 0.0011%; no homozygotes.

Submissions (2):

PreventionGenetics, part of Exact Sciences
Classification: Likely benign for TUBB4A-related condition. Last evaluated: 2025-01-02. Review status: criteria provided, single submitter. Criteria: ACMG Guidelines, 2015. Collection method: clinical testing. Allele origin: germline.
Comment: This variant is classified as likely benign based on ACMG/AMP sequence variant interpretation guidelines (Richards et al. 2015 PMID: 25741868, with internal and published modifications).

CeGaT Center for Human Genetics Tuebingen
Classification: Likely benign. Last evaluated: 2024-04-01. Review status: criteria provided, single submitter. Criteria: CeGaT Center For Human Genetics Tuebingen Variant Classification Criteria Version 2. Collection method: clinical testing. Allele origin: germline. Affected: yes. Observed: 1 variant allele.
Comment: TUBB4A: PM2:Supporting, BP4, BP7

NM_006087.4(TUBB4A):c.189G>C (p.Ala63=)

Gene: TUBB4A (tubulin beta 4A class IVa; minus strand). Cytogenetic location: 19p13.3.
Variant type: single nucleotide variant.
Coding change: c.189G>C on transcript NM_006087.4 (MANE Select); coding-DNA position 189, G replaced by C.
Protein change: p.Ala63=; no amino-acid change (alanine 63 retained).
Molecular consequence: synonymous variant. On other transcripts: 5 prime UTR variant (2).
Genome position (GRCh38, 1-based): chr19:6,501,375, C>G on the plus strand (G>C on the coding strand, the complement: TUBB4A is on the minus strand). VCF-style: chr19-6501375-C-G. GRCh37 (hg19) VCF-style: chr19-6501386-C-G.
Other names: c.342G>C, p.Ala114= (NM_001289123.2); c.324G>C, p.Ala108= (NM_001289127.2); c.189G>C, p.Ala63= (NM_001289129.2); c.-28G>C (NM_001289130.2, NM_001289131.2); c.189G>C (NM_006087.3).
Identifiers: ClinVar variation 3234646 (VCV003234646.21), dbSNP rs150812047, ClinGen allele CA403593956.
Genomic context (GRCh38, chr19:6,501,375, plus strand): 5'-CTGACCGAAGGGGCCAGAACGGACAGAGTCCATGGTGCCGGGTTCCAGGTCCACCAGCAC[C>G]GCTCTGGGGACATAATTTCCTCCTGCAGGGAAACAGATGGAGGGCAGTTCGATGCGTGCC-3'
Protein context (NP_006078.2, residues 53-73): EATGGNYVPR[Ala63=]VLVDLEPGTM